The following is an entry in ClinVar:

NM_017777.4(MKS1):c.1420A>G (p.Ser474Gly)

Gene: MKS1 (MKS transition zone complex subunit 1; minus strand). Cytogenetic location: 17q22.
Variant type: single nucleotide variant.
Coding change: c.1420A>G on transcript NM_017777.4 (MANE Select); coding-DNA position 1420, A replaced by G.
Protein change: p.Ser474Gly; replaces serine 474 with glycine.
Molecular consequence: missense variant. On other transcripts: intron variant (2).
Genome position (GRCh38, 1-based): chr17:58,206,535, T>C on the plus strand (A>G on the coding strand, the complement: MKS1 is on the minus strand). VCF-style: chr17-58206535-T-C. GRCh37 (hg19) VCF-style: chr17-56283896-T-C.
Other names: c.811A>G, p.Ser271Gly (NM_001321268.2); c.1274-155A>G (NM_001330397.2); c.1408-155A>G (NM_001321269.2); short protein forms S271G, S474G.
Identifiers: ClinVar variation 4996207 (VCV004996207.1).

ClinVar aggregate classification (germline): Uncertain significance (1 of 4 stars; one submission).

Conditions:
MKS1-related disorder. Also called: MKS1-related disorders; MKS1-related condition. Identifiers: MedGen CN239382.

gnomAD v4.1: 2 of 1,613,104 alleles (0.00012%); highest among the groups gnomAD compares: Admixed American, 0.0017%; no homozygotes.

Submission:

PreventionGenetics, part of Exact Sciences
Classification: Uncertain significance for MKS1-related condition. Last evaluated: 2026-04-30. Review status: criteria provided, single submitter. Criteria: ACMG Guidelines, 2015. Collection method: clinical testing. Allele origin: germline.
Comment: The MKS1 c.1420A>G variant is predicted to result in the amino acid substitution p.Ser474Gly. To our knowledge, this variant has not been reported in the literature or in a large population database (gnomAD), indicating this variant is rare. At this time, the clinical significance of this variant is uncertain due to the absence of conclusive functional and genetic evidence.